The following is an entry in ClinVar:

ClinVar aggregate classification (germline): Pathogenic. Review status: reviewed by expert panel (3 of 4 stars). 7 submissions from 7 submitters: Pathogenic (1). 6 of the submissions do not count toward it. Last evaluated 2025-01-07.

Conditions:
Autosomal recessive limb-girdle muscular dystrophy type 2L (LGMDR12). Also called: MUSCULAR DYSTROPHY, LIMB-GIRDLE, AUTOSOMAL RECESSIVE 12; Limb-Girdle Muscular Dystrophy R12 Anoctamin-5-Related (LGMD-R12); Limb-girdle muscular dystrophy, type 2L. Identifiers: Orphanet 206549, MedGen C1969785, MONDO:0012652, OMIM 611307.
Gnathodiaphyseal dysplasia (GDD). Also called: GNATHODIAPHYSEAL SCLEROSIS; OSTEOGENESIS IMPERFECTA WITH UNUSUAL SKELETAL LESIONS. Identifiers: Orphanet 53697, MedGen C1833736, MONDO:0008151, OMIM 166260.
ANO5-related disorder. Also called: ANO5-related condition; ANO5-related disorders. Identifiers: MedGen CN239193.
Autosomal recessive limb-girdle muscular dystrophy. Identifiers: Orphanet 102015, MedGen C2931907, MONDO:0015152.
Miyoshi muscular dystrophy 3 (MMD3). Also called: Miyoshi myopathy 3; Miyoshi Muscular Dystrophy 3 (MMD3). Identifiers: Orphanet 399096, MedGen C2750076, MONDO:0013222, OMIM 613319.

Submissions (7):

ClinGen Limb Girdle Muscular Dystrophy Variant Curation Expert Panel, ClinGen
Classification: Pathogenic for Autosomal recessive limb-girdle muscular dystrophy. Last evaluated: 2025-01-07. Review status: reviewed by expert panel. Criteria: ClinGen LGMD VCEP ACMG Specifications ANO5 V1.0.0. Collection method: curation. Allele origin: germline. Inheritance: Autosomal recessive inheritance.
Comment: The NM_213599.3: c.989dup (p.Leu330PhefsTer6)) variant in ANO5 is a frameshift variant predicted to cause a premature stop codon in biologically relevant exon 10/22, leading to nonsense mediated decay in a gene in which loss of function is an established disease mechanism (PVS1). This variant has been detected in at least one individual with progressive limb girdle muscle weakness, where it was confirmed in trans with a likely pathogenic or pathogenic variant (c.304_308del p.(Lys102fs), 1.0 pt, PMID: 27862037) (PM3, PP4). The filtering allele frequency of this variant is 0.000116 (the upper threshold of the 95% CI of 7/113346 European (non-Finnish) exome chromosomes) in gnomAD v2.1.1, which is above the LGMD VCEP threshold (<0.0001) for PM2_Supporting (criterion not met). In summary, this variant meets the criteria to be classified as Pathogenic for autosomal recessive limb girdle muscular dystrophy based on the ACMG/AMP criteria applied, as specified by the ClinGen LGMD VCEP (LGMD VCEP specifications version 1.0.0; 01/07/2025): PVS1, PM3, PP4.

Labcorp Genetics (formerly Invitae), Labcorp
Classification: Pathogenic for Autosomal recessive limb-girdle muscular dystrophy type 2L; Gnathodiaphyseal dysplasia. Last evaluated: 2025-10-14. Review status: criteria provided, single submitter. Criteria: Invitae Variant Classification Sherloc (09022015). Collection method: clinical testing. Allele origin: germline. Not counted in ClinVar's aggregate classification.
Comment: This sequence change creates a premature translational stop signal (p.Leu330Phefs*6) in the ANO5 gene. It is expected to result in an absent or disrupted protein product. Loss-of-function variants in ANO5 are known to be pathogenic (PMID: 21186264, 23606453, 25891276, 30919934). This variant is present in population databases (rs754537193, gnomAD 0.008%), including at least one homozygous and/or hemizygous individual. This premature translational stop signal has been observed in individual(s) with autosomal recessive limb-girdle muscular dystrophy (PMID: 23606453, 27862037). In at least one individual the data is consistent with being in trans (on the opposite chromosome) from a pathogenic variant. ClinVar contains an entry for this variant (Variation ID: 96688). For these reasons, this variant has been classified as Pathogenic.

Blueprint Genetics
Classification: Pathogenic for ANO5-related disorders. Last evaluated: 2024-11-01. Review status: criteria provided, single submitter. Criteria: ACMG Guidelines, 2015. Collection method: clinical testing. Allele origin: germline. Affected: yes. Observed: 5 variant alleles. Not counted in ClinVar's aggregate classification.

GeneDx
Classification: Pathogenic. Last evaluated: 2024-09-25. Review status: criteria provided, single submitter. Criteria: GeneDx Variant Classification Process June 2021. Collection method: clinical testing. Allele origin: germline. Affected: yes. Not counted in ClinVar's aggregate classification.
Comment: Frameshift variant predicted to result in protein truncation or nonsense mediated decay in a gene for which loss of function is a known mechanism of disease; This variant is associated with the following publications: (PMID: 26809617, 23606453, 32819793, 27862037)

CeGaT Center for Human Genetics Tuebingen
Classification: Pathogenic. Last evaluated: 2024-07-01. Review status: criteria provided, single submitter. Criteria: CeGaT Center For Human Genetics Tuebingen Variant Classification Criteria Version 2. Collection method: clinical testing. Allele origin: germline. Affected: yes. Observed: 1 variant allele. Not counted in ClinVar's aggregate classification.
Comment: ANO5: PVS1, PM3:Strong, PM2

Athena Diagnostics
Classification: Pathogenic. Last evaluated: 2023-11-08. Review status: criteria provided, single submitter. Criteria: Athena Diagnostics Criteria. Collection method: clinical testing. Allele origin: unknown. Not counted in ClinVar's aggregate classification.
Comment: This variant is expected to result in the loss of a functional protein. The frequency of this variant in the general population is consistent with pathogenicity. This variant has been seen in combination with a single recessive pathogenic variant in ANO5 in multiple individuals with LGMD.

Eurofins Ntd Llc (ga)
Classification: Pathogenic. Last evaluated: 2015-09-18. Review status: criteria provided, single submitter. Criteria: EGL Classification Definitions. Collection method: clinical testing. Allele origin: germline. Observed: 9 variant alleles, 8 heterozygotes, 1 homozygote. Not counted in ClinVar's aggregate classification.
Comment: The c.989dupT ANO5 pathogenic variant has been reported in an individual with LGMD2L 1 and is of a type expected to cause disease. 1. Sarkozy et al. Hum Mutat. 2013 Aug;34(8):1111-8. AMK 5-13-16

Literature cited by the submitters: PubMed 21186264 (cited by Labcorp Genetics (formerly Invitae), Labcorp); PubMed 23606453 (cited by Labcorp Genetics (formerly Invitae), Labcorp and Athena Diagnostics); PubMed 25891276 (cited by Labcorp Genetics (formerly Invitae), Labcorp); PubMed 30919934 (cited by Labcorp Genetics (formerly Invitae), Labcorp); PubMed 27862037 (cited by Labcorp Genetics (formerly Invitae), Labcorp and Athena Diagnostics); PubMed 23757202 (cited by Eurofins Ntd Llc (ga)).

NM_213599.3(ANO5):c.989dup (p.Leu330fs)

Gene: ANO5 (anoctamin 5; plus strand). Cytogenetic location: 11p14.3.
Variant type: Duplication.
Coding change: c.989dup on transcript NM_213599.3 (MANE Select); coding-DNA position 989, one base duplicated (T; older notation c.989dupT).
Protein change: p.Leu330fs; shifts the reading frame from leucine 330.
Molecular consequence: frameshift variant.
Genome position (GRCh38, 1-based): chr11:22,250,347, T duplicated; the last of 2 consecutive T bases (chr11:22,250,346-22,250,347); duplicating either gives the same sequence. VCF-style (leftmost placement, unchanged base first): chr11-22250345-A-AT. GRCh37 (hg19) VCF-style: chr11-22271891-A-AT.
Other names: NM_213599.3(ANO5):c.989dup; p.Leu330fs; c.986dup, p.Leu329fs (NM_001142649.2); c.989dupT (NM_213599.2); short protein forms L329fs, L330fs.
Identifiers: ClinVar variation 96688 (VCV000096688.39), dbSNP rs398124626, ClinGen allele CA200776.